The following is an entry in ClinVar:

NM_015450.3(POT1):c.151G>A (p.Asp51Asn)

Gene: POT1 (protection of telomeres 1; minus strand). Cytogenetic location: 7q31.33.
Variant type: single nucleotide variant.
Coding change: c.151G>A on transcript NM_015450.3 (MANE Select); coding-DNA position 151, G replaced by A.
Protein change: p.Asp51Asn; replaces aspartic acid 51 with asparagine.
Molecular consequence: missense variant. On other transcripts: non-coding transcript variant (3), intron variant (1).
Genome position (GRCh38, 1-based): chr7:124,871,015, C>T on the plus strand (G>A on the coding strand, the complement: POT1 is on the minus strand). VCF-style: chr7-124871015-C-T. GRCh37 (hg19) VCF-style: chr7-124511069-C-T.
Other names: c.-138-7375G>A (NM_001042594.2); short protein forms D51N.
Identifiers: ClinVar variation 569214 (VCV000569214.10), dbSNP rs1562997249, ClinGen allele CA369061655.

ClinVar aggregate classification (germline): Conflicting classifications of pathogenicity. Review status: criteria provided, conflicting classifications (1 of 4 stars). 3 submissions from 3 submitters: Likely pathogenic (1); Uncertain significance (2). Last evaluated 2026-02-16.

Conditions:
Tumor predisposition syndrome 3 (TPDS3). Also called: Melanoma, cutaneous malignant, susceptibility to, 10; LONG TELOMERE SYNDROME, POT1-RELATED; POT1 Tumor Predisposition; Glioma susceptibility 9. Identifiers: Orphanet 618, MedGen C4014476, MONDO:0014368, OMIM 615848.
Hereditary cancer-predisposing syndrome. Also called: Tumor predisposition; Neoplastic Syndromes, Hereditary; Hereditary neoplastic syndrome; Hereditary Cancer Syndrome. Identifiers: Orphanet 140162, MedGen C0027672, MeSH D009386, MONDO:0015356.

Submissions (3):

Ambry Genetics
Classification: Uncertain significance for Hereditary cancer-predisposing syndrome. Last evaluated: 2026-02-16. Review status: criteria provided, single submitter. Criteria: Ambry Variant Classification Scheme 2023. Collection method: clinical testing. Allele origin: germline.
Comment: The p.D51N variant (also known as c.151G>A), located in coding exon 3 of the POT1 gene, results from a G to A substitution at nucleotide position 151. The aspartic acid at codon 51 is replaced by asparagine, an amino acid with highly similar properties. This amino acid position is highly conserved in available vertebrate species. In addition, the in silico prediction for this alteration is inconclusive. Based on the available evidence, the clinical significance of this variant remains unclear.

Labcorp Genetics (formerly Invitae), Labcorp
Classification: Uncertain significance for Tumor predisposition syndrome 3. Last evaluated: 2025-09-20. Review status: criteria provided, single submitter. Criteria: Invitae Variant Classification Sherloc (09022015). Collection method: clinical testing. Allele origin: germline.
Comment: This sequence change replaces aspartic acid, which is acidic and polar, with asparagine, which is neutral and polar, at codon 51 of the POT1 protein (p.Asp51Asn). This variant is not present in population databases (gnomAD no frequency). This variant has not been reported in the literature in individuals affected with POT1-related conditions. ClinVar contains an entry for this variant (Variation ID: 569214). Invitae Evidence Modeling of protein sequence and biophysical properties (such as structural, functional, and spatial information, amino acid conservation, physicochemical variation, residue mobility, and thermodynamic stability) indicates that this missense variant is not expected to disrupt POT1 protein function with a negative predictive value of 80%. In summary, the available evidence is currently insufficient to determine the role of this variant in disease. Therefore, it has been classified as a Variant of Uncertain Significance.

Molecular Genetics, Royal Melbourne Hospital
Classification: Likely pathogenic for Hereditary cancer-predisposing syndrome. Last evaluated: 2023-04-11. Review status: criteria provided, single submitter. Criteria: ACMG Guidelines, 2015. Collection method: clinical testing. Allele origin: germline. Affected: yes.
Comment: This sequence change in POT1 is predicted to replace aspartic acid with asparagine at codon 51, p.(Asp51Asn). The aspartic acid residue is highly conserved (100 vertebrates, UCSC), and is located in the telomere binding domain. There is a small physicochemical difference between aspartic acid and asparagine. This variant is absent from gnomAD v2.1 and v3.1. It has been identified in multiple individuals with cancers consistent with POT1 tumour predisposition (Royal Melbourne Hospital; Invitae). The variant is significantly depleted in a saturation genome editing survival assay (unpublished data). Multiple lines of computational evidence predict a deleterious effect for the missense substitution (6/6 algorithms). Based on the classification scheme RMH Modified ACMG Guidelines v1.4.0, this variant is classified as LIKELY PATHOGENIC. Following criteria are met: PS3, PS4_Supporting, PM2_Supporting, PP3.